The following is an entry in ClinVar:

ClinVar aggregate classification (germline): Likely benign. Review status: criteria provided, multiple submitters, no conflicts (2 of 4 stars). 2 submissions from 2 submitters: Likely benign (2). Last evaluated 2026-03-01.

Allele frequency attached by ClinVar (database versions not stated): gnomAD 0.00111; TOPMed 0.00141; ESP Exome Variant Server 0.00169; ExAC 0.00187; 1000 Genomes Project 30x 0.00219; 1000 Genomes Project 0.00220.
gnomAD v4.1: 2,857 of 1,614,050 alleles (0.18%); highest among the groups gnomAD compares: Middle Eastern, 0.73%; 12 homozygotes.

Submissions (2):

CeGaT Center for Human Genetics Tuebingen
Classification: Likely benign. Last evaluated: 2026-03-01. Review status: criteria provided, single submitter. Criteria: CeGaT Center For Human Genetics Tuebingen Variant Classification Criteria Version 2. Collection method: clinical testing. Allele origin: germline. Affected: yes. Observed: 15 variant alleles.
Comment: TRIP12: BP4, BP7

Blueprint Genetics
Classification: Likely benign. Last evaluated: 2024-11-26. Review status: criteria provided, single submitter. Criteria: ACMG Guidelines, 2015. Collection method: clinical testing. Allele origin: germline.

NM_001348323.3(TRIP12):c.2124A>G (p.Pro708=)

Gene: TRIP12 (thyroid hormone receptor interactor 12; minus strand). Cytogenetic location: 2q36.3.
Variant type: single nucleotide variant.
Coding change: c.2124A>G on transcript NM_001348323.3 (MANE Select); coding-DNA position 2124, A replaced by G.
Protein change: p.Pro708=; no amino-acid change (proline 708 retained).
Molecular consequence: synonymous variant.
Genome position (GRCh38, 1-based): chr2:229,810,977, T>C on the plus strand (A>G on the coding strand, the complement: TRIP12 is on the minus strand). VCF-style: chr2-229810977-T-C. GRCh37 (hg19) VCF-style: chr2-230675693-T-C.
Other names: c.2124A>G, p.Pro708= (NM_001284214.2, NM_001348315.2, NM_001348319.1 and 11 more transcripts); c.1998A>G, p.Pro666= (NM_001284215.2, NM_001348316.2, NM_001348317.1 and 2 more transcripts); c.1089A>G, p.Pro363= (NM_001284216.2); c.2037A>G, p.Pro679= (NM_001348332.1); c.1980A>G, p.Pro660= (NM_004238.3).
Identifiers: ClinVar variation 1711528 (VCV001711528.31), dbSNP rs145741062, ClinGen allele CA2153096.